The following is an entry in ClinVar:

NM_002232.5(KCNA3):c.458G>A (p.Arg153Gln)

Gene: KCNA3 (potassium voltage-gated channel subfamily A member 3; minus strand). Cytogenetic location: 1p13.3.
Variant type: single nucleotide variant.
Coding change: c.458G>A on transcript NM_002232.5 (MANE Select); coding-DNA position 458, G replaced by A.
Protein change: p.Arg153Gln; replaces arginine 153 with glutamine.
Molecular consequence: missense variant.
Genome position (GRCh38, 1-based): chr1:110,674,352, C>T on the plus strand (G>A on the coding strand, the complement: KCNA3 is on the minus strand). VCF-style: chr1-110674352-C-T. GRCh37 (hg19) VCF-style: chr1-111216974-C-T.
Other names: short protein forms R153Q.
Identifiers: ClinVar variation 3900500 (VCV003900500.1).
Genomic context (GRCh38, chr1:110,674,352, plus strand): 5'-ACCGGCCGGCGGATGCGGCCCCCGGACTGATAGTAGTAGAGGATGGCGTCGAAGCTGGGC[C>T]GGTTGCGGTCGAAGAAGTACTCGTTGCGGAGCGGGTCGAAGTACCTCATGCGCCGCTTGG-3'
Protein context (NP_002223.3, residues 143-163): LRNEYFFDRN[Arg153Gln]PSFDAILYYY

ClinVar aggregate classification (germline): Uncertain significance (1 of 4 stars; one submission).

Submission:

GeneDx
Classification: Uncertain significance. Last evaluated: 2024-11-20. Review status: criteria provided, single submitter. Criteria: GeneDx Variant Classification Process June 2021. Collection method: clinical testing. Allele origin: germline. Affected: yes.
Comment: Not observed at significant frequency in large population cohorts (gnomAD); In silico analysis supports that this missense variant has a deleterious effect on protein structure/function; Has not been previously published as pathogenic or benign to our knowledge